The following is an entry in ClinVar:

ClinVar aggregate classification (germline): Uncertain significance (1 of 4 stars; one submission).

Conditions:
Dilated cardiomyopathy 1DD (CMD1DD). Identifiers: Orphanet 154, MedGen C2750995, MONDO:0013168, OMIM 613172.

Submission:

Labcorp Genetics (formerly Invitae), Labcorp
Classification: Uncertain significance for Dilated cardiomyopathy 1DD. Last evaluated: 2024-05-21. Review status: criteria provided, single submitter. Criteria: Invitae Variant Classification Sherloc (09022015). Collection method: clinical testing. Allele origin: germline.
Comment: This sequence change replaces arginine, which is basic and polar, with methionine, which is neutral and non-polar, at codon 694 of the RBM20 protein (p.Arg694Met). This variant is not present in population databases (gnomAD no frequency). This variant has not been reported in the literature in individuals affected with RBM20-related conditions. Advanced modeling of protein sequence and biophysical properties (such as structural, functional, and spatial information, amino acid conservation, physicochemical variation, residue mobility, and thermodynamic stability) has been performed at Invitae for this missense variant, however the output from this modeling did not meet the statistical confidence thresholds required to predict the impact of this variant on RBM20 protein function. In summary, the available evidence is currently insufficient to determine the role of this variant in disease. Therefore, it has been classified as a Variant of Uncertain Significance.

NM_001134363.3(RBM20):c.2081G>T (p.Arg694Met)

Gene: RBM20 (RNA binding motif protein 20; plus strand). Cytogenetic location: 10q25.2.
Variant type: single nucleotide variant.
Coding change: c.2081G>T on transcript NM_001134363.3 (MANE Select); coding-DNA position 2081, G replaced by T.
Protein change: p.Arg694Met; replaces arginine 694 with methionine.
Molecular consequence: missense variant.
Genome position (GRCh38, 1-based): chr10:110,812,478, G>T. VCF-style: chr10-110812478-G-T. GRCh37 (hg19) VCF-style: chr10-112572236-G-T.
Other names: short protein forms R694M.
Identifiers: ClinVar variation 3626863 (VCV003626863.2).
Genomic context (GRCh38, chr10:110,812,478, plus strand): 5'-ACTCCTGGGAGCACTCTCCCTATGCCAGGAGGGAGGAAGAGCGAGACCCGGCTCCCTGGA[G>T]GGACAACGGAGATGACAAGAGGGACAGGATGGACCCCTGGGCACATGATCGCAAACACCA-3'
Protein context (NP_001127835.2, residues 684-704): REEERDPAPW[Arg694Met]DNGDDKRDRM